The following is an entry in ClinVar:

NM_201384.3(PLEC):c.2458G>T (p.Val820Leu)

Gene: PLEC (plectin; minus strand). Cytogenetic location: 8q24.3.
Variant type: single nucleotide variant.
Coding change: c.2458G>T on transcript NM_201384.3 (MANE Select); coding-DNA position 2458, G replaced by T.
Protein change: p.Val820Leu; replaces valine 820 with leucine.
Molecular consequence: missense variant.
Genome position (GRCh38, 1-based): chr8:143,930,298, C>A on the plus strand (G>T on the coding strand, the complement: PLEC is on the minus strand). VCF-style: chr8-143930298-C-A. GRCh37 (hg19) VCF-style: chr8-145004466-C-A.
Other names: c.2539G>T, p.Val847Leu (NM_000445.5); c.2416G>T, p.Val806Leu (NM_201378.4); c.2392G>T, p.Val798Leu (NM_201379.3); c.2869G>T, p.Val957Leu (NM_201380.4); c.2362G>T, p.Val788Leu (NM_201381.3); c.2458G>T, p.Val820Leu (NM_201382.4); c.2470G>T, p.Val824Leu (NM_201383.3); short protein forms V798L, V957L, V788L, V820L, V824L, V806L, V847L.
Identifiers: ClinVar variation 970976 (VCV000970976.9), dbSNP rs781793434, ClinGen allele CA4927506.

ClinVar aggregate classification (germline): Uncertain significance. Review status: criteria provided, multiple submitters, no conflicts (2 of 4 stars). 2 submissions from 2 submitters: Uncertain significance (2). Last evaluated 2024-07-21.

Conditions:
Epidermolysis bullosa simplex 5B, with muscular dystrophy (EBS5B). Also called: Epidermolysis bullosa simplex with muscular dystrophy; EPIDERMOLYSIS BULLOSA SIMPLEX AND LIMB-GIRDLE MUSCULAR DYSTROPHY. Identifiers: Orphanet 257, MedGen C2931072, MONDO:0009181, OMIM 226670.
Autosomal recessive limb-girdle muscular dystrophy type 2Q (LGMDR17). Also called: MUSCULAR DYSTROPHY, LIMB-GIRDLE, AUTOSOMAL RECESSIVE 17. Identifiers: Orphanet 254361, MedGen C3150989, MONDO:0013390, OMIM 613723.
Epidermolysis bullosa simplex with nail dystrophy (EBS5D). Identifiers: MedGen C4225309, MONDO:0014661, OMIM 616487.
Epidermolysis bullosa simplex 5C, with pyloric atresia (EBS5C). Also called: PLEC-Related Epidermolysis Bullosa with Pyloric Atresia; Epidermolysis bullosa simplex with pyloric atresia; PLEC1-Related Epidermolysis Bullosa with Pyloric Atresia. Identifiers: Orphanet 158684, MedGen C2677349, MONDO:0012807, OMIM 612138.
Epidermolysis bullosa simplex, Ogna type (EBS5A). Also called: Pidermolysis bullosa simplex 5A, Ogna type; EPIDERMOLYSIS BULLOSA SIMPLEX 5A, OGNA TYPE. Identifiers: Orphanet 79401, MedGen C0432317, MONDO:0007555, OMIM 131950.

Allele frequency attached by ClinVar (database versions not stated): ExAC 0.00001; TOPMed 0.00001.
gnomAD v4.1: 5 of 1,601,966 alleles (0.00031%); highest among the groups gnomAD compares: African/African-American, 0.0067%; no homozygotes.

Submissions (2):

Labcorp Genetics (formerly Invitae), Labcorp
Classification: Uncertain significance for Autosomal recessive limb-girdle muscular dystrophy type 2Q; Epidermolysis bullosa simplex, Ogna type; Epidermolysis bullosa simplex with nail dystrophy; Epidermolysis bullosa simplex 5C, with pyloric atresia; Epidermolysis bullosa simplex 5B, with muscular dystrophy. Last evaluated: 2024-07-21. Review status: criteria provided, single submitter. Criteria: Invitae Variant Classification Sherloc (09022015). Collection method: clinical testing. Allele origin: germline.
Comment: This sequence change replaces valine, which is neutral and non-polar, with leucine, which is neutral and non-polar, at codon 847 of the PLEC protein (p.Val847Leu). The frequency data for this variant in the population databases is considered unreliable, as metrics indicate poor data quality at this position in the gnomAD database. This variant has not been reported in the literature in individuals affected with PLEC-related conditions. ClinVar contains an entry for this variant (Variation ID: 970976). Experimental studies and prediction algorithms are not available or were not evaluated, and the functional significance of this variant is currently unknown. In summary, the available evidence is currently insufficient to determine the role of this variant in disease. Therefore, it has been classified as a Variant of Uncertain Significance.

Revvity Omics, Revvity
Classification: Uncertain significance. Last evaluated: 2021-03-23. Review status: criteria provided, single submitter. Criteria: ACMG Guidelines, 2015. Collection method: clinical testing. Allele origin: germline.